The following is an entry in ClinVar:

ClinVar aggregate classification (germline): Benign. Review status: criteria provided, multiple submitters, no conflicts (2 of 4 stars). 2 submissions from 2 submitters: Benign (2). Last evaluated 2018-06-15.

Allele frequency attached by ClinVar (database versions not stated): 1000 Genomes Project 0.20407; 1000 Genomes Project 30x 0.20706; gnomAD exomes 0.22468 and 0.25288; ExAC 0.23255; TOPMed 0.23736; gnomAD 0.24752 and 0.24952; ESP Exome Variant Server 0.26330.
gnomAD v4.1: 400,753 of 1,590,148 alleles (25%); highest among the groups gnomAD compares: South Asian, 28%; 52,347 homozygotes.

Submissions (2):

GeneDx
Classification: Benign. Last evaluated: 2018-06-15. Review status: criteria provided, single submitter. Criteria: GeneDx Variant Classification (06012015). Collection method: clinical testing. Allele origin: germline. Affected: yes.
Comment: This variant is considered likely benign or benign based on one or more of the following criteria: it is a conservative change, it occurs at a poorly conserved position in the protein, it is predicted to be benign by multiple in silico algorithms, and/or has population frequency not consistent with disease.

Breakthrough Genomics
Classification: Benign. Review status: criteria provided, single submitter. Criteria: ACMG Guidelines, 2015. Collection method: not provided. Allele origin: germline. Inheritance: Autosomal dominant inheritance. Affected: yes.

NM_001386795.1(DTNA):c.1253+51T>A

Gene: DTNA (dystrobrevin alpha; plus strand). Cytogenetic location: 18q12.1.
Variant type: single nucleotide variant.
Coding change: c.1253+51T>A on transcript NM_001386795.1 (MANE Select); 51 bases into the intron after coding-DNA position 1253, T replaced by A.
Molecular consequence: intron variant.
Genome position (GRCh38, 1-based): chr18:34,838,222, T>A. VCF-style: chr18-34838222-T-A. GRCh37 (hg19) VCF-style: chr18-32418186-T-A.
Other names: c.1095-10074T>A (NM_032975.4, NM_001386761.1, NM_001386762.1 and 1 more transcripts); c.1175+8733T>A (NM_001386754.1, NM_001386755.1, NM_001386760.1 and 5 more transcripts); c.1086-10074T>A (NM_001386763.1, NM_001386764.1, NM_001386768.1 and 13 more transcripts); c.604-13609T>A (NM_001198945.2); c.1253+51T>A (NM_001386788.1); c.1163+51T>A (NM_032978.7); c.1172+51T>A (NM_001390.5, NM_001391.5); c.336-10074T>A (NM_001198943.1); and 4 more.
Identifiers: ClinVar variation 671298 (VCV000671298.2), dbSNP rs17557695, ClinGen allele CA8935647.